The following is an entry in ClinVar:

NM_001134831.2(AHI1):c.2194G>C (p.Asp732His)

Gene: AHI1 (Abelson helper integration site 1; minus strand). Cytogenetic location: 6q23.3.
Variant type: single nucleotide variant.
Coding change: c.2194G>C on transcript NM_001134831.2 (MANE Select); coding-DNA position 2194, G replaced by C.
Protein change: p.Asp732His; replaces aspartic acid 732 with histidine.
Molecular consequence: missense variant.
Genome position (GRCh38, 1-based): chr6:135,433,099, C>G on the plus strand (G>C on the coding strand, the complement: AHI1 is on the minus strand). VCF-style: chr6-135433099-C-G. GRCh37 (hg19) VCF-style: chr6-135754237-C-G.
Other names: c.2194G>C, p.Asp732His (NM_001134830.2, NM_001134832.2, NM_001350503.2 and 2 more transcripts); c.2194G>C (NM_017651.4); short protein forms D732H.
Identifiers: ClinVar variation 1398805 (VCV001398805.7), dbSNP rs200697251, ClinGen allele CA4012427.

ClinVar aggregate classification (germline): Uncertain significance. Review status: criteria provided, multiple submitters, no conflicts (2 of 4 stars). 3 submissions from 3 submitters: Uncertain significance (3). Last evaluated 2024-06-24.

Conditions:
Joubert syndrome 3 (JBTS3). Also called: AHI1-related Ciliopathy. Identifiers: Orphanet 220493, MedGen C1837713, MONDO:0012078, OMIM 608629.
Joubert syndrome. Also called: JOUBERT-BOLTSHAUSER SYNDROME; Familial aplasia of the vermis. Identifiers: Orphanet 475, MedGen C5979921, MONDO:0018772.

Allele frequency attached by ClinVar (database versions not stated): 1000 Genomes Project 30x 0.00016; 1000 Genomes Project 0.00020.
gnomAD v4.1: 54 of 1,613,734 alleles (0.0033%); highest among the groups gnomAD compares: Non-Finnish European, 0.0045%; no homozygotes.

Submissions (3):

Fulgent Genetics
Classification: Uncertain significance for Joubert syndrome 3. Last evaluated: 2024-06-24. Review status: criteria provided, single submitter. Criteria: ACMG Guidelines, 2015. Collection method: clinical testing. Allele origin: germline.

Blueprint Genetics
Classification: Uncertain significance. Last evaluated: 2023-01-23. Review status: criteria provided, single submitter. Criteria: ACMG Guidelines, 2015. Collection method: clinical testing. Allele origin: germline.

Labcorp Genetics (formerly Invitae), Labcorp
Classification: Uncertain significance for Joubert syndrome. Last evaluated: 2021-11-12. Review status: criteria provided, single submitter. Criteria: Invitae Variant Classification Sherloc (09022015). Collection method: clinical testing. Allele origin: germline.
Comment: This sequence change replaces aspartic acid, which is acidic and polar, with histidine, which is basic and polar, at codon 732 of the AHI1 protein (p.Asp732His). This variant is present in population databases (rs200697251, gnomAD 0.002%). This variant has not been reported in the literature in individuals affected with AHI1-related conditions. Advanced modeling of protein sequence and biophysical properties (such as structural, functional, and spatial information, amino acid conservation, physicochemical variation, residue mobility, and thermodynamic stability) performed at Invitae indicates that this missense variant is not expected to disrupt AHI1 protein function. In summary, the available evidence is currently insufficient to determine the role of this variant in disease. Therefore, it has been classified as a Variant of Uncertain Significance.